The following is an entry in ClinVar:

ClinVar aggregate classification (germline): Uncertain significance (1 of 4 stars; one submission).

Allele frequency attached by ClinVar (database versions not stated): gnomAD exomes below 0.00001; gnomAD 0.00001.
gnomAD v4.1: 8 of 1,614,056 alleles (0.0005%); highest among the groups gnomAD compares: East Asian, 0.0022%; no homozygotes.

Submission:

Labcorp Genetics (formerly Invitae), Labcorp
Classification: Uncertain significance. Last evaluated: 2023-09-17. Review status: criteria provided, single submitter. Criteria: Invitae Variant Classification Sherloc (09022015). Collection method: clinical testing. Allele origin: germline.
Comment: In summary, the available evidence is currently insufficient to determine the role of this variant in disease. Therefore, it has been classified as a Variant of Uncertain Significance. Algorithms developed to predict the effect of missense changes on protein structure and function output the following: SIFT: "Not Available"; PolyPhen-2: "Benign"; Align-GVGD: "Not Available". The arginine amino acid residue is found in multiple mammalian species, which suggests that this missense change does not adversely affect protein function. This variant has not been reported in the literature in individuals affected with TET2-related conditions. This variant is present in population databases (no rsID available, gnomAD 0.003%). This sequence change replaces lysine, which is basic and polar, with arginine, which is basic and polar, at codon 603 of the TET2 protein (p.Lys603Arg).

NM_001127208.3(TET2):c.1808A>G (p.Lys603Arg)

Genes: TET2 (tet methylcytosine dioxygenase 2; plus strand), TET2-AS1 (TET2 antisense RNA 1; minus strand). Cytogenetic location: 4q24.
Variant type: single nucleotide variant.
Coding change: c.1808A>G on transcript NM_001127208.3 (MANE Select); coding-DNA position 1808, A replaced by G.
Protein change: p.Lys603Arg; replaces lysine 603 with arginine.
Molecular consequence: missense variant.
Genome position (GRCh38, 1-based): chr4:105,235,750, A>G. VCF-style: chr4-105235750-A-G. GRCh37 (hg19) VCF-style: chr4-106156907-A-G.
Other names: c.1808A>G, p.Lys603Arg (NM_017628.4); short protein forms K603R.
Identifiers: ClinVar variation 3018322 (VCV003018322.3), dbSNP rs1167234311, ClinGen allele CA357796454.